The following is an entry in ClinVar:

NM_014846.4(WASHC5):c.526C>T (p.Arg176Ter)

Gene: WASHC5 (WASH complex subunit 5; minus strand). Cytogenetic location: 8q24.13.
Variant type: single nucleotide variant.
Coding change: c.526C>T on transcript NM_014846.4 (MANE Select); coding-DNA position 526, C replaced by T.
Protein change: p.Arg176Ter; replaces arginine 176 with a stop codon.
Molecular consequence: nonsense.
Genome position (GRCh38, 1-based): chr8:125,078,923, G>A on the plus strand (C>T on the coding strand, the complement: WASHC5 is on the minus strand). VCF-style: chr8-125078923-G-A. GRCh37 (hg19) VCF-style: chr8-126091165-G-A.
Other names: c.82C>T, p.Arg28Ter (NM_001330609.2); short protein forms R176*, R28*.
Identifiers: ClinVar variation 647373 (VCV000647373.4), dbSNP rs1362286755, ClinGen allele CA372196703.

ClinVar aggregate classification (germline): Uncertain significance (1 of 4 stars; one submission).

Conditions:
Hereditary spastic paraplegia 8 (SPG8). Also called: SPASTIC PARAPLEGIA 8, AUTOSOMAL DOMINANT. Identifiers: Orphanet 100989, MedGen C1863704, MONDO:0011339, OMIM 603563.
Ritscher-Schinzel syndrome. Also called: CRANIOCEREBELLOCARDIAC DYSPLASIA. Identifiers: Orphanet 7, MedGen C0796137, MONDO:0019078.

gnomAD v4.1: 5 of 1,613,224 alleles (0.00031%); highest among the groups gnomAD compares: Non-Finnish European, 0.00042%; no homozygotes.

Submission:

Labcorp Genetics (formerly Invitae), Labcorp
Classification: Uncertain significance for Ritscher-Schinzel syndrome; Hereditary spastic paraplegia 8. Last evaluated: 2020-03-06. Review status: criteria provided, single submitter. Criteria: Invitae Variant Classification Sherloc (09022015). Collection method: clinical testing. Allele origin: germline.
Comment: This sequence change creates a premature translational stop signal (p.Arg176*) in the WASHC5 gene. It is expected to result in an absent or disrupted protein product. This variant is not present in population databases (ExAC no frequency). This variant has not been reported in the literature in individuals with WASHC5-related conditions. ClinVar contains an entry for this variant (Variation ID: 647373). The current clinical and genetic evidence is not sufficient to establish whether loss-of-function variants in WASHC5 cause disease. In summary, the available evidence is currently insufficient to determine the role of this variant in disease. Therefore, it has been classified as a Variant of Uncertain Significance.